The following is an entry in ClinVar:

ClinVar aggregate classification (germline): Uncertain significance (1 of 4 stars; one submission).

gnomAD v4.1: 11 of 1,613,530 alleles (0.00068%); highest among the groups gnomAD compares: Non-Finnish European, 0.000085%; no homozygotes.

Submission:

Labcorp Genetics (formerly Invitae), Labcorp
Classification: Uncertain significance. Last evaluated: 2025-01-15. Review status: criteria provided, single submitter. Criteria: Invitae Variant Classification Sherloc (09022015). Collection method: clinical testing. Allele origin: germline.
Comment: This sequence change replaces tyrosine, which is neutral and polar, with cysteine, which is neutral and slightly polar, at codon 395 of the DNA2 protein (p.Tyr395Cys). This variant is present in population databases (rs775083244, gnomAD 0.01%). This variant has not been reported in the literature in individuals affected with DNA2-related conditions. Invitae Evidence Modeling of protein sequence and biophysical properties (such as structural, functional, and spatial information, amino acid conservation, physicochemical variation, residue mobility, and thermodynamic stability) indicates that this missense variant is expected to disrupt DNA2 protein function with a positive predictive value of 80%. In summary, the available evidence is currently insufficient to determine the role of this variant in disease. Therefore, it has been classified as a Variant of Uncertain Significance.

NM_001080449.3(DNA2):c.1184A>G (p.Tyr395Cys)

Gene: DNA2 (DNA replication helicase/nuclease 2; minus strand). Cytogenetic location: 10q21.3.
Variant type: single nucleotide variant.
Coding change: c.1184A>G on transcript NM_001080449.3 (MANE Select); coding-DNA position 1184, A replaced by G.
Protein change: p.Tyr395Cys; replaces tyrosine 395 with cysteine.
Molecular consequence: missense variant. On other transcripts: non-coding transcript variant (1).
Genome position (GRCh38, 1-based): chr10:68,444,957, T>C on the plus strand (A>G on the coding strand, the complement: DNA2 is on the minus strand). VCF-style: chr10-68444957-T-C. GRCh37 (hg19) VCF-style: chr10-70204714-T-C.
Other names: short protein forms Y395C.
Identifiers: ClinVar variation 3608809 (VCV003608809.2).
Genomic context (GRCh38, chr10:68,444,957, plus strand): 5'-ATGCCTTTGGTAGACAATATTTACCTGCTATAAAGAGCACAATTGCCAATTTGTGAACAA[T>C]ATTTACAAGTTTTCTCTTCCTCAATTATTTGTGGCAAAGAAGCAAGCTGTGTCTTCTGTC-3'
Protein context (NP_001073918.2, residues 385-405): QIIEEEKTCK[Tyr395Cys]CSQIGNCALY